The following is an entry in ClinVar:

ClinVar aggregate classification (germline): Uncertain significance. Review status: criteria provided, multiple submitters, no conflicts (2 of 4 stars). 2 submissions from 2 submitters: Uncertain significance (2). Last evaluated 2024-05-28.

Conditions:
Inborn genetic diseases. Identifiers: MedGen C0950123, MeSH D030342.

Allele frequency attached by ClinVar (database versions not stated): ExAC 0.00004; TOPMed 0.00004; gnomAD 0.00005; 1000 Genomes Project 30x 0.00016; 1000 Genomes Project 0.00020.

Submissions (2):

Ambry Genetics
Classification: Uncertain significance for Inborn genetic diseases. Last evaluated: 2024-05-28. Review status: criteria provided, single submitter. Criteria: Ambry Variant Classification Scheme 2023. Collection method: clinical testing. Allele origin: germline.

Labcorp Genetics (formerly Invitae), Labcorp
Classification: Uncertain significance. Last evaluated: 2023-12-02. Review status: criteria provided, single submitter. Criteria: Invitae Variant Classification Sherloc (09022015). Collection method: clinical testing. Allele origin: germline.
Comment: This sequence change replaces glycine, which is neutral and non-polar, with arginine, which is basic and polar, at codon 526 of the KRT5 protein (p.Gly526Arg). This variant is present in population databases (rs571604097, gnomAD 0.007%). This variant has not been reported in the literature in individuals affected with KRT5-related conditions. Advanced modeling of protein sequence and biophysical properties (such as structural, functional, and spatial information, amino acid conservation, physicochemical variation, residue mobility, and thermodynamic stability) performed at Invitae indicates that this missense variant is not expected to disrupt KRT5 protein function with a negative predictive value of 95%. Algorithms developed to predict the effect of sequence changes on RNA splicing suggest that this variant may create or strengthen a splice site. In summary, the available evidence is currently insufficient to determine the role of this variant in disease. Therefore, it has been classified as a Variant of Uncertain Significance.

NM_000424.4(KRT5):c.1576G>A (p.Gly526Arg)

Gene: KRT5 (keratin 5; minus strand). Cytogenetic location: 12q13.13.
Variant type: single nucleotide variant.
Coding change: c.1576G>A on transcript NM_000424.4 (MANE Select); coding-DNA position 1576, G replaced by A.
Protein change: p.Gly526Arg; replaces glycine 526 with arginine.
Molecular consequence: missense variant.
Genome position (GRCh38, 1-based): chr12:52,515,139, C>T on the plus strand (G>A on the coding strand, the complement: KRT5 is on the minus strand). VCF-style: chr12-52515139-C-T. GRCh37 (hg19) VCF-style: chr12-52908923-C-T.
Other names: c.1576G>A (NM_000424.3); short protein forms G526R.
Identifiers: ClinVar variation 2719999 (VCV002719999.4), dbSNP rs571604097, ClinGen allele CA6582450.